The following is an entry in ClinVar:

ClinVar aggregate classification (germline): Uncertain significance. Review status: criteria provided, multiple submitters, no conflicts (2 of 4 stars). 2 submissions from 2 submitters: Uncertain significance (2). Last evaluated 2025-09-04.

Allele frequency attached by ClinVar (database versions not stated): gnomAD exomes 0.00001.
gnomAD v4.1: 34 of 1,597,360 alleles (0.0021%); highest among the groups gnomAD compares: Non-Finnish European, 0.0029%; no homozygotes.

Submissions (2):

Labcorp Genetics (formerly Invitae), Labcorp
Classification: Uncertain significance. Last evaluated: 2025-09-04. Review status: criteria provided, single submitter. Criteria: Invitae Variant Classification Sherloc (09022015). Collection method: clinical testing. Allele origin: germline.
Comment: This sequence change replaces threonine, which is neutral and polar, with proline, which is neutral and non-polar, at codon 703 of the SZT2 protein (p.Thr703Pro). This variant is present in population databases (rs763624457, gnomAD 0.002%). This variant has not been reported in the literature in individuals affected with SZT2-related conditions. ClinVar contains an entry for this variant (Variation ID: 1063640). Invitae Evidence Modeling of protein sequence and biophysical properties (such as structural, functional, and spatial information, amino acid conservation, physicochemical variation, residue mobility, and thermodynamic stability) indicates that this missense variant is not expected to disrupt SZT2 protein function with a negative predictive value of 80%. In summary, the available evidence is currently insufficient to determine the role of this variant in disease. Therefore, it has been classified as a Variant of Uncertain Significance.

Blueprint Genetics
Classification: Uncertain significance. Last evaluated: 2021-07-13. Review status: criteria provided, single submitter. Criteria: ACMG Guidelines, 2015. Collection method: clinical testing. Allele origin: germline.

NM_001365999.1(SZT2):c.2107A>C (p.Thr703Pro)

Gene: SZT2 (SZT2 subunit of KICSTOR complex; plus strand). Cytogenetic location: 1p34.2.
Variant type: single nucleotide variant.
Coding change: c.2107A>C on transcript NM_001365999.1 (MANE Select); coding-DNA position 2107, A replaced by C.
Protein change: p.Thr703Pro; replaces threonine 703 with proline.
Molecular consequence: missense variant.
Genome position (GRCh38, 1-based): chr1:43,423,168, A>C. VCF-style: chr1-43423168-A-C. GRCh37 (hg19) VCF-style: chr1-43888839-A-C.
Other names: c.2107A>C, p.Thr703Pro (NM_015284.4); short protein forms T703P.
Identifiers: ClinVar variation 1063640 (VCV001063640.10), dbSNP rs763624457, ClinGen allele CA21630660.